The following is an entry in ClinVar:

ClinVar aggregate classification (germline): Pathogenic (1 of 4 stars; one submission).

Submission:

Labcorp Genetics (formerly Invitae), Labcorp
Classification: Pathogenic. Last evaluated: 2021-04-30. Review status: criteria provided, single submitter. Criteria: Invitae Variant Classification Sherloc (09022015). Collection method: clinical testing. Allele origin: germline.
Comment: For these reasons, this variant has been classified as Pathogenic. This variant has not been reported in the literature in individuals with MLC1-related conditions. This variant is not present in population databases (ExAC no frequency). This sequence change creates a premature translational stop signal (p.Ser40*) in the MLC1 gene. It is expected to result in an absent or disrupted protein product. Loss-of-function variants in MLC1 are known to be pathogenic (PMID: 11254442, 16470554, 24824219).

Literature cited by the submitters: PubMed 11254442; PubMed 16470554; PubMed 24824219.

NM_015166.4(MLC1):c.119C>A (p.Ser40Ter)

Gene: MLC1 (modulator of VRAC current 1; minus strand). Cytogenetic location: 22q13.33.
Variant type: single nucleotide variant.
Coding change: c.119C>A on transcript NM_015166.4 (MANE Select); coding-DNA position 119, C replaced by A.
Protein change: p.Ser40Ter; replaces serine 40 with a stop codon.
Molecular consequence: nonsense. On other transcripts: non-coding transcript variant (3), intron variant (1).
Genome position (GRCh38, 1-based): chr22:50,084,784, G>T on the plus strand (C>A on the coding strand, the complement: MLC1 is on the minus strand). VCF-style: chr22-50084784-G-T. GRCh37 (hg19) VCF-style: chr22-50523213-G-T.
Other names: c.119C>A, p.Ser40Ter (NM_001376472.1, NM_001376473.1, NM_001376474.1 and 10 more transcripts); c.-59+571C>A (NM_001376484.1); short protein forms S40*.
Identifiers: ClinVar variation 1442600 (VCV001442600.6), dbSNP rs2033708755, ClinGen allele CA412112572.